The following is an entry in ClinVar:

NM_053013.4(ENO3):c.1095G>A (p.Trp365Ter)

Gene: ENO3 (enolase 3; plus strand). Cytogenetic location: 17p13.2.
Variant type: single nucleotide variant.
Coding change: c.1095G>A on transcript NM_053013.4 (MANE Select); coding-DNA position 1095, G replaced by A.
Protein change: p.Trp365Ter; replaces tryptophan 365 with a stop codon.
Molecular consequence: nonsense.
Genome position (GRCh38, 1-based): chr17:4,956,600, G>A. VCF-style: chr17-4956600-G-A. GRCh37 (hg19) VCF-style: chr17-4859895-G-A.
Other names: c.966G>A, p.Trp322Ter (NM_001193503.2); c.1095G>A, p.Trp365Ter (NM_001374523.1, NM_001976.5); c.1122G>A, p.Trp374Ter (NM_001374524.1); short protein forms W322*, W365*, W374*.
Identifiers: ClinVar variation 2137888 (VCV002137888.1), dbSNP rs550460218, ClinGen allele CA8316550.

ClinVar aggregate classification (germline): Uncertain significance (1 of 4 stars; one submission).

Conditions:
Glycogen storage disease due to muscle beta-enolase deficiency (GSD13). Also called: ENOLASE 3 DEFICIENCY; ENOLASE-BETA DEFICIENCY; GSD XIII; Glycogen Storage Disease Type XIII. Identifiers: Orphanet 99849, MedGen C2752027, MONDO:0013046, OMIM 612932.

Allele frequency attached by ClinVar (database versions not stated): TOPMed 0.00001; gnomAD 0.00003; ExAC 0.00011; 1000 Genomes Project 30x 0.00016; 1000 Genomes Project 0.00020.
gnomAD v4.1: 61 of 1,614,192 alleles (0.0038%); highest among the groups gnomAD compares: South Asian, 0.064%; no homozygotes.

Submission:

Labcorp Genetics (formerly Invitae), Labcorp
Classification: Uncertain significance for Glycogen storage disease due to muscle beta-enolase deficiency. Last evaluated: 2022-07-30. Review status: criteria provided, single submitter. Criteria: Invitae Variant Classification Sherloc (09022015). Collection method: clinical testing. Allele origin: germline.
Comment: This sequence change creates a premature translational stop signal (p.Trp365*) in the ENO3 gene. It is expected to result in an absent or disrupted protein product. However, the current clinical and genetic evidence is not sufficient to establish whether loss-of-function variants in ENO3 cause disease. This variant is present in population databases (rs550460218, gnomAD 0.08%). This variant has not been reported in the literature in individuals affected with ENO3-related conditions. In summary, the available evidence is currently insufficient to determine the role of this variant in disease. Therefore, it has been classified as a Variant of Uncertain Significance.